The following is an entry in ClinVar:

ClinVar aggregate classification (germline): Uncertain significance (1 of 4 stars; one submission).

Conditions:
Hereditary breast ovarian cancer syndrome. Also called: Breast and ovarian cancer; Hereditary breast and/or ovarian cancer syndrome; BRCA1- and BRCA2-Associated Hereditary Breast and Ovarian Cancer; Hereditary breast and ovarian cancer syndrome; Hereditary breast and ovarian cancer syndrome (HBOC); Hereditary breast and ovarian cancer. Identifiers: Orphanet 145, MedGen C0677776, MeSH D061325, MONDO:0003582. Disease mechanism: loss of function.

Submissions (4):

Labcorp Genetics (formerly Invitae), Labcorp
Classification: Uncertain significance for Hereditary breast ovarian cancer syndrome. Last evaluated: 2017-08-03. Review status: criteria provided, single submitter. Criteria: Invitae Variant Classification Sherloc (09022015). Collection method: clinical testing. Allele origin: germline.
Comment: This sequence change affects codon 1691 of the BRCA1 mRNA. It is a 'silent' change, meaning that it does not change the encoded amino acid sequence of the BRCA1 protein. This variant is not present in population databases (ExAC no frequency). This variant has not been reported in the literature in individuals with BRCA1-related disease. Algorithms developed to predict the effect of sequence changes on RNA splicing suggest that this variant may disrupt the consensus splice site, but this prediction has not been confirmed by published transcriptional studies. In summary, the available evidence is currently insufficient to determine the role of this variant in disease. Therefore, it has been classified as a Variant of Uncertain Significance.

Brotman Baty Institute, University of Washington
No classification provided (evidence only). Condition: Breast-ovarian cancer, familial 1. Review status: no classification provided. Collection method: in vitro. Allele origin: not applicable. Functional consequence: functionally_abnormal. Not counted in ClinVar's aggregate classification.
ClinVar note: "not provided" was previously submitted as the classification for the variant. However, the classification appeared to be based only on an observation of functional data so it was converted to no classification on 2025-07-30.

Dr. Peter K. Rogan Lab, Western University
No classification provided (evidence only). Condition: Gastric cancer. Review status: no classification provided. Collection method: in vitro. Allele origin: not applicable. Functional consequence: retained intron. Not counted in ClinVar's aggregate classification.

MutSpliceDB: a database of splice sites variants effects on splicing, NIH
No classification provided (evidence only). Review status: no classification provided. Collection method: in vivo. Allele origin: not applicable. Functional consequence: retained intron. Not counted in ClinVar's aggregate classification.

NM_007294.4(BRCA1):c.5073A>C (p.Thr1691=)

Gene: BRCA1 (BRCA1 DNA repair associated; minus strand). Cytogenetic location: 17q21.31.
Variant type: single nucleotide variant.
Coding change: c.5073A>C on transcript NM_007294.4 (MANE Select); coding-DNA position 5073, A replaced by C.
Protein change: p.Thr1691=; no amino-acid change (threonine 1691 retained).
Molecular consequence: synonymous variant. On other transcripts: intron variant (1).
Genome position (GRCh38, 1-based): chr17:43,067,609, T>G on the plus strand (A>C on the coding strand, the complement: BRCA1 is on the minus strand). VCF-style: chr17-43067609-T-G. GRCh37 (hg19) VCF-style: chr17-41219626-T-G.
Other names: c.4860A>C, p.Thr1620= (NM_001407571.1, NM_001407894.1, NM_001407895.1 and 12 more transcripts); c.5139A>C, p.Thr1713= (NM_001407581.1, NM_001407582.1); c.5136A>C, p.Thr1712= (NM_001407583.1, NM_001407585.1, NM_001407587.1 and 1 more transcripts); c.5133A>C, p.Thr1711= (NM_001407590.1, NM_001407591.1); c.5073A>C, p.Thr1691= (NM_001407593.1, NM_001407594.1, NM_001407596.1 and 8 more transcripts); c.5070A>C, p.Thr1690= (NM_001407610.1, NM_001407611.1, NM_001407612.1 and 17 more transcripts); c.5067A>C, p.Thr1689= (NM_001407627.1, NM_001407628.1, NM_001407629.1 and 14 more transcripts); c.5064A>C, p.Thr1688= (NM_001407644.1, NM_001407645.1); and 71 more.
Identifiers: ClinVar variation 531289 (VCV000531289.13), dbSNP rs80356853, ClinGen allele CA500146299.